The following is an entry in ClinVar:

ClinVar aggregate classification (germline): Conflicting classifications of pathogenicity. Review status: criteria provided, conflicting classifications (1 of 4 stars). 3 submissions from 3 submitters: Uncertain significance (1); Benign (1); Likely benign (1). Last evaluated 2025-10-07.

Conditions:
Tuberous sclerosis 1 (TSC1). Identifiers: Orphanet 805, MedGen C1854465, MONDO:0008612, OMIM 191100.
Hereditary cancer-predisposing syndrome. Also called: Hereditary neoplastic syndrome; Neoplastic Syndromes, Hereditary; Tumor predisposition; Hereditary Cancer Syndrome. Identifiers: Orphanet 140162, MedGen C0027672, MeSH D009386, MONDO:0015356.

Allele frequency attached by ClinVar (database versions not stated): TOPMed 0.00001; gnomAD exomes 0.00002; ExAC 0.00003; gnomAD 0.00003; ESP Exome Variant Server 0.00008.
gnomAD v4.1: 27 of 1,614,200 alleles (0.0017%); highest among the groups gnomAD compares: South Asian, 0.013%; no homozygotes.

Submissions (3):

Labcorp Genetics (formerly Invitae), Labcorp
Classification: Benign for Tuberous sclerosis 1. Last evaluated: 2025-10-07. Review status: criteria provided, single submitter. Criteria: Invitae Variant Classification Sherloc (09022015). Collection method: clinical testing. Allele origin: germline.

Ambry Genetics
Classification: Uncertain significance for Hereditary cancer-predisposing syndrome. Last evaluated: 2025-09-18. Review status: criteria provided, single submitter. Criteria: Ambry Variant Classification Scheme 2023. Collection method: clinical testing. Allele origin: germline.
Comment: The p.R22Q variant (also known as c.65G>A), located in coding exon 1 of the TSC1 gene, results from a G to A substitution at nucleotide position 65. The arginine at codon 22 is replaced by glutamine, an amino acid with highly similar properties. This alteration has been reported in a patient with a clinical diagnosis of tuberous sclerosis complex (Ismail NF et al. J Mol Diagn, 2017 03;19:265-276). This amino acid position is not well conserved in available vertebrate species. In addition, this alteration is predicted to be tolerated by in silico analysis. Based on the available evidence, the clinical significance of this variant remains unclear.

Myriad Genetics, Inc.
Classification: Likely benign for Tuberous sclerosis 1. Last evaluated: 2024-08-27. Review status: criteria provided, single submitter. Criteria: Myriad Autosomal Dominant, Autosomal Recessive and X-Linked Classification Criteria (2023). Collection method: clinical testing. Allele origin: unknown.
Comment: This variant is considered likely benign. This variant has been observed at a population frequency that is significantly greater than expected given the associated disease prevalence and penetrance.

Literature cited by the submitters: PubMed 28087349 (cited by Ambry Genetics).

NM_000368.5(TSC1):c.65G>A (p.Arg22Gln)

Gene: TSC1 (TSC complex subunit 1; minus strand). Cytogenetic location: 9q34.13.
Variant type: single nucleotide variant.
Coding change: c.65G>A on transcript NM_000368.5 (MANE Select); coding-DNA position 65, G replaced by A.
Protein change: p.Arg22Gln; replaces arginine 22 with glutamine.
Molecular consequence: missense variant. On other transcripts: 5 prime UTR variant (1).
Genome position (GRCh38, 1-based): chr9:132,928,808, C>T on the plus strand (G>A on the coding strand, the complement: TSC1 is on the minus strand). VCF-style: chr9-132928808-C-T. GRCh37 (hg19) VCF-style: chr9-135804195-C-T.
Other names: c.65G>A, p.Arg22Gln (NM_001162426.2, NM_001162427.2); c.-195G>A (NM_001362177.2); short protein forms R22Q.
Identifiers: ClinVar variation 466150 (VCV000466150.16), dbSNP rs141736779, ClinGen allele CA038390.